The following is an entry in ClinVar:

ClinVar aggregate classification (germline): Uncertain significance. Review status: criteria provided, multiple submitters, no conflicts (2 of 4 stars). 3 submissions from 3 submitters: Uncertain significance (3). Last evaluated 2025-08-21.

Conditions:
Inborn genetic diseases. Identifiers: MedGen C0950123, MeSH D030342.

Allele frequency attached by ClinVar (database versions not stated): TOPMed 0.00006.

Submissions (3):

Ambry Genetics
Classification: Uncertain significance for Inborn genetic diseases. Last evaluated: 2025-08-21. Review status: criteria provided, single submitter. Criteria: Ambry Variant Classification Scheme 2023. Collection method: clinical testing. Allele origin: germline.

Labcorp Genetics (formerly Invitae), Labcorp
Classification: Uncertain significance. Last evaluated: 2024-12-02. Review status: criteria provided, single submitter. Criteria: Invitae Variant Classification Sherloc (09022015). Collection method: clinical testing. Allele origin: germline.
Comment: This sequence change replaces proline, which is neutral and non-polar, with leucine, which is neutral and non-polar, at codon 67 of the RBP3 protein (p.Pro67Leu). This variant is present in population databases (rs201439265, gnomAD 0.02%). This variant has not been reported in the literature in individuals affected with RBP3-related conditions. ClinVar contains an entry for this variant (Variation ID: 1024888). Invitae Evidence Modeling of protein sequence and biophysical properties (such as structural, functional, and spatial information, amino acid conservation, physicochemical variation, residue mobility, and thermodynamic stability) has been performed for this missense variant. However, the output from this modeling did not meet the statistical confidence thresholds required to predict the impact of this variant on RBP3 protein function. In summary, the available evidence is currently insufficient to determine the role of this variant in disease. Therefore, it has been classified as a Variant of Uncertain Significance.

Blueprint Genetics
Classification: Uncertain significance. Last evaluated: 2024-03-07. Review status: criteria provided, single submitter. Criteria: ACMG Guidelines, 2015. Collection method: clinical testing. Allele origin: germline.

NM_002900.3(RBP3):c.200C>T (p.Pro67Leu)

Gene: RBP3 (retinol binding protein 3; plus strand). Cytogenetic location: 10q11.22.
Variant type: single nucleotide variant.
Coding change: c.200C>T on transcript NM_002900.3 (MANE Select); coding-DNA position 200, C replaced by T.
Protein change: p.Pro67Leu; replaces proline 67 with leucine.
Molecular consequence: missense variant.
Genome position (GRCh38, 1-based): chr10:47,348,684, C>T. VCF-style: chr10-47348684-C-T. GRCh37 (hg19) VCF-style: chr10-48390678-G-A.
Other names: c.200C>T (NM_002900.2); short protein forms P67L.
Identifiers: ClinVar variation 1024888 (VCV001024888.11), dbSNP rs201439265, ClinGen allele CA5487845.
Genomic context (GRCh38, chr10:47,348,684, plus strand): 5'-GCATGCAGGAAGCCATCCAGCAGGCCATCAAGAGCCATGAGATTCTGAGCATCTCAGACC[C>T]GCAGACGCTGGCCAGTGTGCTGACAGCCGGGGTGCAGAGCTCCCTGAACGATCCTCGCCT-3'
Protein context (NP_002891.1, residues 57-77): KSHEILSISD[Pro67Leu]QTLASVLTAG